The following is an entry in ClinVar:

NM_138694.4(PKHD1):c.5624T>G (p.Val1875Gly)

Gene: PKHD1 (PKHD1 ciliary IPT domain containing fibrocystin/polyductin; minus strand). Cytogenetic location: 6p12.2.
Variant type: single nucleotide variant.
Coding change: c.5624T>G on transcript NM_138694.4 (MANE Select); coding-DNA position 5624, T replaced by G.
Protein change: p.Val1875Gly; replaces valine 1875 with glycine.
Molecular consequence: missense variant.
Genome position (GRCh38, 1-based): chr6:52,010,436, A>C on the plus strand (T>G on the coding strand, the complement: PKHD1 is on the minus strand). VCF-style: chr6-52010436-A-C. GRCh37 (hg19) VCF-style: chr6-51875234-A-C.
Other names: c.5624T>G (NM_138694.3); c.5624T>G, p.Val1875Gly (NM_170724.3); short protein forms V1875G.
Identifiers: ClinVar variation 2677830 (VCV002677830.9), dbSNP rs202016058, ClinGen allele CA3852460.

ClinVar aggregate classification (germline): Conflicting classifications of pathogenicity. Review status: criteria provided, conflicting classifications (1 of 4 stars). 4 submissions from 4 submitters: Likely pathogenic (3); Uncertain significance (1). Last evaluated 2026-06-20.

Conditions:
Autosomal recessive polycystic kidney disease (ARPKD). Also called: AR polycystic kidney disease. Identifiers: Orphanet 731, Orphanet 8378, MedGen C0085548, MeSH D017044, MONDO:0009889.
Polycystic kidney disease 4 (PKD4). Also called: POLYCYSTIC KIDNEY DISEASE 4 WITH OR WITHOUT POLYCYSTIC LIVER DISEASE; PKD3; POLYCYSTIC KIDNEY AND HEPATIC DISEASE 1; POLYCYSTIC KIDNEY DISEASE, INFANTILE, TYPE I; Autosomal Recessive Polycystic Kidney Disease – PKHD1. Identifiers: MedGen C4540575, MONDO:0033004, OMIM 263200.

Allele frequency attached by ClinVar (database versions not stated): ExAC 0.00001; gnomAD exomes 0.00001.
gnomAD v4.1: 11 of 1,604,180 alleles (0.00069%); highest among the groups gnomAD compares: Non-Finnish European, 0.00085%; no homozygotes.

Submissions (4):

Myriad Genetics, Inc.
Classification: Uncertain significance for Polycystic kidney disease 4. Last evaluated: 2026-06-20. Review status: criteria provided, single submitter. Criteria: Myriad Autosomal Dominant, Autosomal Recessive and X-Linked Classification Criteria (2023). Collection method: clinical testing. Allele origin: unknown.
Comment: NM_138694.3(PKHD1):c.5624T>G(V1875G) is a missense variant classified as a variant of uncertain significance in the context of autosomal recessive polycystic kidney disease, PKHD1-related. V1875G has been observed in cases with relevant disease (PMID: 19914852, 27752906). Relevant functional assessments of this variant are not available in the literature. V1875G has been observed in referenced population frequency databases. In summary, there is insufficient evidence to classify NM_138694.3(PKHD1):c.5624T>G(V1875G) as pathogenic or benign. Please note: this variant was assessed in the context of healthy population screening.

Women's Health and Genetics/Laboratory Corporation of America, LabCorp
Classification: Likely pathogenic for Autosomal recessive polycystic kidney disease. Last evaluated: 2025-12-26. Review status: criteria provided, single submitter. Criteria: LabCorp Variant Classification Summary - May 2015. Collection method: clinical testing. Allele origin: germline.
Comment: Variant summary: PKHD1 c.5624T>G (p.Val1875Gly) results in a non-conservative amino acid change in the encoded protein sequence. Algorithms developed to predict the effect of missense changes on protein structure and function all suggest that this variant is likely to be disruptive. The variant allele was found at a frequency of 8e-06 in 251302 control chromosomes. c.5624T>G has been observed as a biallelic compound heterozygous genotype in individual(s) affected with pathognomic features of Polycystic Kidney And Hepatic Disease (example, Tong_2016, Gunay-Aygun_2010). These data indicate that the variant may be associated with disease. To our knowledge, no experimental evidence demonstrating an impact on protein function has been reported. The following publications have been ascertained in the context of this evaluation (PMID: 20413436, 19914852, 27752906). ClinVar contains an entry for this variant (Variation ID: 2677830). Based on the evidence outlined above, the variant was classified as likely pathogenic.

Natera, Inc.
Classification: Likely pathogenic for Autosomal recessive polycystic kidney disease. Last evaluated: 2025-09-06. Review status: criteria provided, single submitter. Criteria: Natera Variant Classification Schema (03/2026). Collection method: clinical testing. Allele origin: germline.
Comment: The c.5624T>G variant in PKHD1 is a missense variant predicted to cause substitution of valine to glycine at amino acid 1875. This variant is rare in the general population with a frequency below the threshold expected for the associated phenotype(s). This variant has been observed in one or more individuals affected with the associated recessive disease, as either homozygous or compound heterozygous with a second variant (PMID: 19914852, 27752906). Computational prediction algorithms indicate this variant is likely to affect gene or protein function. Given the available evidence, this variant is classified as Likely Pathogenic.

Labcorp Genetics (formerly Invitae), Labcorp
Classification: Likely pathogenic for Autosomal recessive polycystic kidney disease. Last evaluated: 2022-11-24. Review status: criteria provided, single submitter. Criteria: Invitae Variant Classification Sherloc (09022015). Collection method: clinical testing. Allele origin: germline.
Comment: This variant is present in population databases (rs202016058, gnomAD 0.0009%). In summary, the currently available evidence indicates that the variant is pathogenic, but additional data are needed to prove that conclusively. Therefore, this variant has been classified as Likely Pathogenic. Advanced modeling of protein sequence and biophysical properties (such as structural, functional, and spatial information, amino acid conservation, physicochemical variation, residue mobility, and thermodynamic stability) performed at Invitae indicates that this missense variant is expected to disrupt PKHD1 protein function. This missense change has been observed in individuals with polycystic kidney disease (PMID: 19914852, 27752906). This sequence change replaces valine, which is neutral and non-polar, with glycine, which is neutral and non-polar, at codon 1875 of the PKHD1 protein (p.Val1875Gly).

Literature cited by the submitters: PubMed 19914852 (cited by 4 submitters); PubMed 27752906 (cited by 4 submitters); PubMed 20413436 (cited by Women's Health and Genetics/Laboratory Corporation of America, LabCorp).